The following is an entry in ClinVar:

ClinVar aggregate classification (germline): Likely pathogenic (1 of 4 stars; one submission).

Conditions:
Pheochromocytoma. Also called: MAX-Related Hereditary Paraganglioma-Pheochromocytoma Syndrome. Identifiers: Orphanet 29072, MedGen C0031511, MONDO:0008233, OMIM 171300, HP:0002666.

Submission:

Institute of Human Genetics, University of Leipzig Medical Center
Classification: Likely pathogenic for Pheochromocytoma. Last evaluated: 2022-12-09. Review status: criteria provided, single submitter. Criteria: ACMG Guidelines, 2015. Collection method: clinical testing. Allele origin: unknown.

NM_017849.4(TMEM127):c.208del (p.Asp70fs)

Gene: TMEM127 (transmembrane protein 127; minus strand). Cytogenetic location: 2q11.2.
Variant type: Deletion.
Coding change: c.208del on transcript NM_017849.4 (MANE Select); coding-DNA position 208, one base deleted (G; older notation c.208delG).
Protein change: p.Asp70fs; shifts the reading frame from aspartic acid 70.
Molecular consequence: frameshift variant.
Genome position (GRCh38, 1-based): chr2:96,265,174, C deleted on the plus strand (G on the coding strand, the reverse complement: TMEM127 is on the minus strand). VCF-style (leftmost placement, unchanged base first): chr2-96265173-TC-T. GRCh37 (hg19) VCF-style: chr2-96930911-TC-T.
Other names: c.208del, p.Asp70fs (NM_001193304.3); short protein forms D70fs.
Identifiers: ClinVar variation 1804110 (VCV001804110.1), dbSNP rs2467285079, ClinGen allele CA2580068307.
Genomic context (GRCh38, chr2:96,265,173, plus strand): 5'-AAGGGCCAGCGCGCAGCACCCTCACCTTTCAGCAGGTCCGGGTGCACATAGCCCAACACG[TC>T]GGAGACCCCCAGCTCCTGGCGCGAACAGGTGCCTCCGTGGATGTGCAACCAGGCGGGCTC-3'